The following is an entry in ClinVar:

ClinVar aggregate classification (germline): Uncertain significance (1 of 4 stars; one submission).

Submission:

GeneDx
Classification: Uncertain significance. Last evaluated: 2025-03-31. Review status: criteria provided, single submitter. Criteria: GeneDx Variant Classification Process June 2021. Collection method: clinical testing. Allele origin: germline. Affected: yes.
Comment: Not observed at significant frequency in large population cohorts (gnomAD); In silico analysis supports that this missense variant has a deleterious effect on protein structure/function; Has not been previously published as pathogenic or benign to our knowledge

NM_005120.3(MED12):c.2896T>C (p.Ser966Pro)

Gene: MED12 (mediator complex subunit 12; plus strand). Cytogenetic location: Xq13.1.
Variant type: single nucleotide variant.
Coding change: c.2896T>C on transcript NM_005120.3 (MANE Select); coding-DNA position 2896, T replaced by C.
Protein change: p.Ser966Pro; replaces serine 966 with proline.
Molecular consequence: missense variant.
Genome position (GRCh38, 1-based): chrX:71,127,382, T>C. VCF-style: chrX-71127382-T-C. GRCh37 (hg19) VCF-style: chrX-70347232-T-C.
Other names: short protein forms S966P.
Identifiers: ClinVar variation 4278739 (VCV004278739.1).